The following is an entry in ClinVar:

NM_014795.4(ZEB2):c.2714C>T (p.Pro905Leu)

Gene: ZEB2 (zinc finger E-box binding homeobox 2; minus strand). Cytogenetic location: 2q22.3.
Variant type: single nucleotide variant.
Coding change: c.2714C>T on transcript NM_014795.4 (MANE Select); coding-DNA position 2714, C replaced by T.
Protein change: p.Pro905Leu; replaces proline 905 with leucine.
Molecular consequence: missense variant.
Genome position (GRCh38, 1-based): chr2:144,398,473, G>A on the plus strand (C>T on the coding strand, the complement: ZEB2 is on the minus strand). VCF-style: chr2-144398473-G-A. GRCh37 (hg19) VCF-style: chr2-145156040-G-A.
Other names: c.2642C>T, p.Pro881Leu (NM_001171653.2); short protein forms P881L, P905L.
Identifiers: ClinVar variation 1336911 (VCV001336911.8), dbSNP rs1255855620, ClinGen allele CA348707250.
Genomic context (GRCh38, chr2:144,398,473, plus strand): 5'-CCTGGGTATGGTCGTAGCCCAGGAATACTGGTCTGGACTGGTGGCATGAAAGTAGCAGGG[G>A]GAAATGCGCTTTGAGGTGGAAGAGCTGTGTATAAAGGTTTGGCACTAAATGGGTTCATGC-3'
Protein context (NP_055610.1, residues 895-915): YTALPPQSAF[Pro905Leu]PATFMPPVQT

ClinVar aggregate classification (germline): Conflicting classifications of pathogenicity. Review status: criteria provided, conflicting classifications (1 of 4 stars). 3 submissions from 3 submitters: Uncertain significance (2); Likely benign (1). Last evaluated 2025-11-20.

Conditions:
Inborn genetic diseases. Identifiers: MedGen C0950123, MeSH D030342.
Mowat-Wilson syndrome (MOWS). Also called: Classic Mowat-Wilson Syndrome. Identifiers: Orphanet 2152, MedGen C1856113, MONDO:0009341, OMIM 235730.

Allele frequency attached by ClinVar (database versions not stated): gnomAD 0.00001; gnomAD exomes 0.00001; TOPMed 0.00001.
gnomAD v4.1: 6 of 1,613,926 alleles (0.00037%); highest among the groups gnomAD compares: Non-Finnish European, 0.00051%; no homozygotes.

Submissions (3):

Ambry Genetics
Classification: Likely benign for Inborn genetic diseases. Last evaluated: 2025-11-20. Review status: criteria provided, single submitter. Criteria: Ambry Variant Classification Scheme 2023. Collection method: clinical testing. Allele origin: germline.

Labcorp Genetics (formerly Invitae), Labcorp
Classification: Uncertain significance for Mowat-Wilson syndrome. Last evaluated: 2024-02-03. Review status: criteria provided, single submitter. Criteria: Invitae Variant Classification Sherloc (09022015). Collection method: clinical testing. Allele origin: germline.
Comment: This sequence change replaces proline, which is neutral and non-polar, with leucine, which is neutral and non-polar, at codon 905 of the ZEB2 protein (p.Pro905Leu). This variant is present in population databases (no rsID available, gnomAD 0.003%). This variant has not been reported in the literature in individuals affected with ZEB2-related conditions. ClinVar contains an entry for this variant (Variation ID: 1336911). An algorithm developed to predict the effect of missense changes on protein structure and function (PolyPhen-2) suggests that this variant is likely to be disruptive. In summary, the available evidence is currently insufficient to determine the role of this variant in disease. Therefore, it has been classified as a Variant of Uncertain Significance.

Genetic Services Laboratory, University of Chicago
Classification: Uncertain significance. Last evaluated: 2018-10-19. Review status: criteria provided, single submitter. Criteria: ACMG Guidelines, 2015. Collection method: clinical testing. Allele origin: germline. Affected: no.